The following is an entry in ClinVar:

NM_001122630.2(CDKN1C):c.577C>G (p.Pro193Ala)

Gene: CDKN1C (cyclin dependent kinase inhibitor 1C; minus strand). Cytogenetic location: 11p15.4.
Variant type: single nucleotide variant.
Coding change: c.577C>G on transcript NM_001122630.2 (MANE Select); coding-DNA position 577, C replaced by G.
Protein change: p.Pro193Ala; replaces proline 193 with alanine.
Molecular consequence: missense variant. On other transcripts: intron variant (1).
Genome position (GRCh38, 1-based): chr11:2,884,880, G>C on the plus strand (C>G on the coding strand, the complement: CDKN1C is on the minus strand). VCF-style: chr11-2884880-G-C. GRCh37 (hg19) VCF-style: chr11-2906110-G-C.
Other names: c.610C>G, p.Pro204Ala (NM_000076.2, NM_001362474.2, LRG_533t1); c.577C>G, p.Pro193Ala (NM_001122631.2); c.255+322C>G (NM_001362475.2); short protein forms P204A, P193A.
Identifiers: ClinVar variation 580594 (VCV000580594.27), dbSNP rs1345683292, ClinGen allele CA379146324.
Genomic context (GRCh38, chr11:2,884,880, plus strand): 5'-CGCTCTCTTGAGGCGCCGCGTCCGGGGCCGGGGCCGGGGCGGGGGCCGGGGCCGGGGCCG[G>C]GGCCGGGGCTGGGGCCGGGGCCGCGACTGGAGCCGGGGCCGGAGCCGGAGCCGGAGCCGG-3'
Protein context (NP_001116102.1, residues 183-203): PVAAPAPAPA[Pro193Ala]APAPAPAPAP

ClinVar aggregate classification (germline): Conflicting classifications of pathogenicity. Review status: criteria provided, conflicting classifications (1 of 4 stars). 4 submissions from 4 submitters: Uncertain significance (3); Likely benign (1). Last evaluated 2026-08-07.

Conditions:
CDKN1C-related disorder. Also called: CDKN1C-related condition.
Beckwith-Wiedemann syndrome (BWS). Also called: Exomphalos macroglossia gigantism syndrome; EMG SYNDROME. Identifiers: Orphanet 116, MedGen C0004903, MONDO:0007534, OMIM 130650.
Inborn genetic diseases. Identifiers: MedGen C0950123, MeSH D030342.

Allele frequency attached by ClinVar (database versions not stated): gnomAD 0.00002 and 0.00006.
gnomAD v4.1: 41 of 925,274 alleles (0.0044%); highest among the groups gnomAD compares: South Asian, 0.049%; no homozygotes.

Submissions (4):

PreventionGenetics, part of Exact Sciences
Classification: Uncertain significance for CDKN1C-related condition. Last evaluated: 2026-08-07. Review status: criteria provided, single submitter. Criteria: ACMG Guidelines, 2015. Collection method: clinical testing. Allele origin: germline.
Comment: The CDKN1C c.610C>G variant is predicted to result in the amino acid substitution p.Pro204Ala. To our knowledge, this variant has not been reported in the literature or in a large population database (gnomAD). This variant has conflicting interpretations in ClinVar ranging from uncertain to likely benign (Variation ID: 580594). At this time, the clinical significance of this variant is uncertain due to the absence of conclusive functional and genetic evidence.

Labcorp Genetics (formerly Invitae), Labcorp
Classification: Uncertain significance for Beckwith-Wiedemann syndrome. Last evaluated: 2025-12-08. Review status: criteria provided, single submitter. Criteria: Invitae Variant Classification Sherloc (09022015). Collection method: clinical testing. Allele origin: germline.
Comment: This sequence change replaces proline, which is neutral and non-polar, with alanine, which is neutral and non-polar, at codon 204 of the CDKN1C protein (p.Pro204Ala). The frequency data for this variant in the population databases is considered unreliable, as metrics indicate insufficient coverage at this position in the gnomAD database. This variant has not been reported in the literature in individuals affected with CDKN1C-related conditions. ClinVar contains an entry for this variant (Variation ID: 580594). Invitae Evidence Modeling of protein sequence and biophysical properties (such as structural, functional, and spatial information, amino acid conservation, physicochemical variation, residue mobility, and thermodynamic stability) indicates that this missense variant is not expected to disrupt CDKN1C protein function with a negative predictive value of 80%. In summary, the available evidence is currently insufficient to determine the role of this variant in disease. Therefore, it has been classified as a Variant of Uncertain Significance.

CeGaT Center for Human Genetics Tuebingen
Classification: Likely benign. Last evaluated: 2025-01-01. Review status: criteria provided, single submitter. Criteria: CeGaT Center For Human Genetics Tuebingen Variant Classification Criteria Version 2. Collection method: clinical testing. Allele origin: germline. Affected: yes. Observed: 1 variant allele.
Comment: CDKN1C: PP2, BS1

Ambry Genetics
Classification: Uncertain significance for Inborn genetic diseases. Last evaluated: 2023-02-15. Review status: criteria provided, single submitter. Criteria: Ambry Variant Classification Scheme 2023. Collection method: clinical testing. Allele origin: germline.